The following is an entry in ClinVar:

ClinVar aggregate classification (germline): Conflicting classifications of pathogenicity. Review status: criteria provided, conflicting classifications (1 of 4 stars). 4 submissions from 4 submitters: Uncertain significance (1); Benign (2); Likely benign (1). Last evaluated 2024-12-02.

Conditions:
Inborn genetic diseases. Identifiers: MedGen C0950123, MeSH D030342.
Microcephaly, seizures, and developmental delay. Identifiers: Orphanet 1934, MedGen C3150667, MONDO:0013254, OMIM 613402.
Developmental and epileptic encephalopathy, 12 (DEE12). Identifiers: MedGen C3150988, MONDO:0013389, OMIM 613722.

Allele frequency attached by ClinVar (database versions not stated): gnomAD 0.00001 and 0.00005; gnomAD exomes 0.00004; ExAC 0.00005; TOPMed 0.00007; 1000 Genomes Project 30x 0.00062; 1000 Genomes Project 0.00080.

Submissions (4):

Labcorp Genetics (formerly Invitae), Labcorp
Classification: Uncertain significance for Developmental and epileptic encephalopathy, 12. Last evaluated: 2024-12-02. Review status: criteria provided, single submitter. Criteria: Invitae Variant Classification Sherloc (09022015). Collection method: clinical testing. Allele origin: germline.
Comment: This sequence change replaces alanine, which is neutral and non-polar, with valine, which is neutral and non-polar, at codon 19 of the PNKP protein (p.Ala19Val). This variant is present in population databases (rs201258910, gnomAD 0.05%). This variant has not been reported in the literature in individuals affected with PNKP-related conditions. ClinVar contains an entry for this variant (Variation ID: 588741). An algorithm developed to predict the effect of missense changes on protein structure and function outputs the following: PolyPhen-2: "Benign". The valine amino acid residue is found in multiple mammalian species, which suggests that this missense change does not adversely affect protein function. In summary, the available evidence is currently insufficient to determine the role of this variant in disease. Therefore, it has been classified as a Variant of Uncertain Significance.

Illumina Laboratory Services, Illumina
Classification: Benign for Microcephaly, seizures, and developmental delay. Last evaluated: 2017-07-18. Review status: criteria provided, single submitter. Criteria: ICSL Variant Classification Criteria 13 December 2019. Collection method: clinical testing. Allele origin: germline.
Comment: This variant was observed as part of a predisposition screen in an ostensibly healthy population. A literature search was performed for the gene, cDNA change, and amino acid change (where applicable). No publications were found based on this search. Allele frequency data from public databases was too high to be consistent with this variant causing disease. Therefore, this variant is classified as benign.

Ambry Genetics
Classification: Benign for Inborn genetic diseases. Last evaluated: 2017-02-10. Review status: criteria provided, single submitter. Criteria: Ambry Variant Classification Scheme 2023. Collection method: clinical testing. Allele origin: germline.

GeneDx
Classification: Likely benign. Last evaluated: 2015-03-03. Review status: criteria provided, single submitter. Criteria: GeneDx Variant Classification Process June 2021. Collection method: clinical testing. Allele origin: germline. Affected: yes.
Comment: This variant is associated with the following publications: (PMID: 24066114)

NM_007254.4(PNKP):c.56C>T (p.Ala19Val)

Gene: PNKP (polynucleotide kinase 3'-phosphatase; minus strand). Cytogenetic location: 19q13.33.
Variant type: single nucleotide variant.
Coding change: c.56C>T on transcript NM_007254.4 (MANE Select); coding-DNA position 56, C replaced by T.
Protein change: p.Ala19Val; replaces alanine 19 with valine.
Molecular consequence: missense variant.
Genome position (GRCh38, 1-based): chr19:49,867,149, G>A on the plus strand (C>T on the coding strand, the complement: PNKP is on the minus strand). VCF-style: chr19-49867149-G-A. GRCh37 (hg19) VCF-style: chr19-50370406-G-A.
Other names: short protein forms A19V.
Identifiers: ClinVar variation 588741 (VCV000588741.20), dbSNP rs201258910, ClinGen allele CA9587092.
Genomic context (GRCh38, chr19:49,867,149, plus strand): 5'-GTCAGGGGTCCCCTGCCCAGGACCAGGGCTTGCCCGTCCGAGGGCAGGAAGATGGGGGGC[G>A]CTCCCCCAGGGGGGCTCTCGAGCCACAAGCGGCCCGGGGCCTCCACCTCGCCCATCCTGG-3'
Protein context (NP_009185.2, residues 9-29): RLWLESPPGG[Ala19Val]PPIFLPSDGQ